The following is an entry in ClinVar:

NM_014585.6(SLC40A1):c.1233G>T (p.Arg411Ser)

Gene: SLC40A1 (solute carrier family 40 member 1; minus strand). Cytogenetic location: 2q32.2.
Variant type: single nucleotide variant.
Coding change: c.1233G>T on transcript NM_014585.6 (MANE Select); coding-DNA position 1233, G replaced by T.
Protein change: p.Arg411Ser; replaces arginine 411 with serine.
Molecular consequence: missense variant.
Genome position (GRCh38, 1-based): chr2:189,563,753, C>A on the plus strand (G>T on the coding strand, the complement: SLC40A1 is on the minus strand). VCF-style: chr2-189563753-C-A. GRCh37 (hg19) VCF-style: chr2-190428479-C-A.
Other names: short protein forms R411S.
Identifiers: ClinVar variation 3606218 (VCV003606218.2).
Genomic context (GRCh38, chr2:189,563,753, plus strand): 5'-GTATATTTCAGTTGTAATTTCAGGTATCTTGGTAGGTGTAATTGACTCTCCTTGAATGAA[C>A]CTTGATCGGATATCTTCAAAAGGAGAAACGGACAAGTCCAGGGGGCTTCCAGGCATGAAT-3'
Protein context (NP_055400.1, residues 401-421): SVSPFEDIRS[Arg411Ser]FIQGESITPT

ClinVar aggregate classification (germline): Uncertain significance (1 of 4 stars; one submission).

Conditions:
Hemochromatosis type 4 (HFE4). Also called: HEMOCHROMATOSIS DUE TO DEFECT IN FERROPORTIN; HEMOCHROMATOSIS, AUTOSOMAL DOMINANT; Ferroportin disease. Identifiers: Orphanet 139491, Orphanet 647834, Orphanet 648562, MedGen C1853733, MONDO:0011631, OMIM 606069.

gnomAD v4.1: 3 of 1,614,094 alleles (0.00019%); highest among the groups gnomAD compares: Middle Eastern, 0.016%; no homozygotes.

Submission:

Labcorp Genetics (formerly Invitae), Labcorp
Classification: Uncertain significance for Hemochromatosis type 4. Last evaluated: 2024-08-31. Review status: criteria provided, single submitter. Criteria: Invitae Variant Classification Sherloc (09022015). Collection method: clinical testing. Allele origin: germline.
Comment: This sequence change replaces arginine, which is basic and polar, with serine, which is neutral and polar, at codon 411 of the SLC40A1 protein (p.Arg411Ser). This variant is not present in population databases (gnomAD no frequency). This variant has not been reported in the literature in individuals affected with SLC40A1-related conditions. Invitae Evidence Modeling of protein sequence and biophysical properties (such as structural, functional, and spatial information, amino acid conservation, physicochemical variation, residue mobility, and thermodynamic stability) indicates that this missense variant is not expected to disrupt SLC40A1 protein function with a negative predictive value of 80%. In summary, the available evidence is currently insufficient to determine the role of this variant in disease. Therefore, it has been classified as a Variant of Uncertain Significance.